The following is an entry in ClinVar:

NM_021942.6(TRAPPC11):c.2789G>A (p.Ser930Asn)

Gene: TRAPPC11 (trafficking protein particle complex subunit 11; plus strand). Cytogenetic location: 4q35.1.
Variant type: single nucleotide variant.
Coding change: c.2789G>A on transcript NM_021942.6 (MANE Select); coding-DNA position 2789, G replaced by A.
Protein change: p.Ser930Asn; replaces serine 930 with asparagine.
Molecular consequence: missense variant.
Genome position (GRCh38, 1-based): chr4:183,697,773, G>A. VCF-style: chr4-183697773-G-A. GRCh37 (hg19) VCF-style: chr4-184618926-G-A.
Other names: c.2789G>A, p.Ser930Asn (NM_199053.3); c.2789G>A (NM_021942.4); short protein forms S930N.
Identifiers: ClinVar variation 1970356 (VCV001970356.5), dbSNP rs139826587, ClinGen allele CA111861599.

ClinVar aggregate classification (germline): Uncertain significance. Review status: criteria provided, multiple submitters, no conflicts (2 of 4 stars). 2 submissions from 2 submitters: Uncertain significance (2). Last evaluated 2025-08-26.

Conditions:
Inborn genetic diseases. Identifiers: MedGen C0950123, MeSH D030342.
Autosomal recessive limb-girdle muscular dystrophy type R18 (LGMDR18). Also called: Autosomal recessive limb-girdle muscular dystrophy type 2S; MUSCULAR DYSTROPHY, LIMB-GIRDLE, AUTOSOMAL RECESSIVE 18; Limb-girdle muscular dystrophy, type 2S. Identifiers: Orphanet 369840, MedGen C4517996, MONDO:0014144, OMIM 615356.

Allele frequency attached by ClinVar (database versions not stated): gnomAD 0.00001; TOPMed 0.00006; ESP Exome Variant Server 0.00008.
gnomAD v4.1: 5 of 1,613,940 alleles (0.00031%); highest among the groups gnomAD compares: African/African-American, 0.0067%; no homozygotes.

Submissions (2):

Ambry Genetics
Classification: Uncertain significance for Inborn genetic diseases. Last evaluated: 2025-08-26. Review status: criteria provided, single submitter. Criteria: Ambry Variant Classification Scheme 2023. Collection method: clinical testing. Allele origin: germline.

Labcorp Genetics (formerly Invitae), Labcorp
Classification: Uncertain significance for Autosomal recessive limb-girdle muscular dystrophy type R18. Last evaluated: 2022-05-13. Review status: criteria provided, single submitter. Criteria: Invitae Variant Classification Sherloc (09022015). Collection method: clinical testing. Allele origin: germline.
Comment: This variant has not been reported in the literature in individuals affected with TRAPPC11-related conditions. In summary, the available evidence is currently insufficient to determine the role of this variant in disease. Therefore, it has been classified as a Variant of Uncertain Significance. Algorithms developed to predict the effect of sequence changes on RNA splicing suggest that this variant may disrupt the consensus splice site. Algorithms developed to predict the effect of missense changes on protein structure and function are either unavailable or do not agree on the potential impact of this missense change (SIFT: "Deleterious"; PolyPhen-2: "Possibly Damaging"; Align-GVGD: "Class C0"). This variant is present in population databases (rs139826587, gnomAD 0.007%). This sequence change replaces serine, which is neutral and polar, with asparagine, which is neutral and polar, at codon 930 of the TRAPPC11 protein (p.Ser930Asn).